The following is an entry in ClinVar:

ClinVar aggregate classification (germline): Likely benign. Review status: criteria provided, multiple submitters, no conflicts (2 of 4 stars). 4 submissions from 4 submitters: Likely benign (4). Last evaluated 2025-01-01.

Allele frequency attached by ClinVar (database versions not stated): TOPMed 0.00001.
gnomAD v4.1: 9 of 1,612,356 alleles (0.00056%); highest among the groups gnomAD compares: Non-Finnish European, 0.00076%; no homozygotes.

Submissions (4):

CeGaT Center for Human Genetics Tuebingen
Classification: Likely benign. Last evaluated: 2025-01-01. Review status: criteria provided, single submitter. Criteria: CeGaT Center For Human Genetics Tuebingen Variant Classification Criteria Version 2. Collection method: clinical testing. Allele origin: germline. Affected: yes. Observed: 1 variant allele.
Comment: WFS1: BP4, BP7

Blueprint Genetics
Classification: Likely benign. Last evaluated: 2024-09-02. Review status: criteria provided, single submitter. Criteria: ACMG Guidelines, 2015. Collection method: clinical testing. Allele origin: germline.

Labcorp Genetics (formerly Invitae), Labcorp
Classification: Likely benign. Last evaluated: 2023-06-15. Review status: criteria provided, single submitter. Criteria: Invitae Variant Classification Sherloc (09022015). Collection method: clinical testing. Allele origin: germline.

GeneDx
Classification: Likely benign. Last evaluated: 2019-09-26. Review status: criteria provided, single submitter. Criteria: GeneDx Variant Classification Process June 2021. Collection method: clinical testing. Allele origin: germline. Affected: yes.

NM_006005.3(WFS1):c.1656C>A (p.Thr552=)

Gene: WFS1 (wolframin ER transmembrane glycoprotein; plus strand). Cytogenetic location: 4p16.1.
Variant type: single nucleotide variant.
Coding change: c.1656C>A on transcript NM_006005.3 (MANE Select); coding-DNA position 1656, C replaced by A.
Protein change: p.Thr552=; no amino-acid change (threonine 552 retained).
Molecular consequence: synonymous variant.
Genome position (GRCh38, 1-based): chr4:6,301,451, C>A. VCF-style: chr4-6301451-C-A. GRCh37 (hg19) VCF-style: chr4-6303178-C-A.
Other names: c.1656C>A, p.Thr552= (NM_001145853.1).
Identifiers: ClinVar variation 515981 (VCV000515981.24), dbSNP rs141477172, ClinGen allele CA438368893.
Genomic context (GRCh38, chr4:6,301,451, plus strand): 5'-GCCCTACCTGGTGTGCTTCATGTGGTGTGAGCTCTCCGTGGTCATCCTGCTGGAGTCCAC[C>A]GGCCTGGGGCTGCTCCGCGCCTCCATCGGCTACTTCCTCTTCCTCTTTGCCCTCCCCATC-3'
Protein context (NP_005996.2, residues 542-562): ELSVVILLES[Thr552=]GLGLLRASIG